The following is an entry in ClinVar:

NM_002103.5(GYS1):c.2209A>T (p.Asn737Tyr)

Gene: GYS1 (glycogen synthase 1; minus strand). Cytogenetic location: 19q13.33.
Variant type: single nucleotide variant.
Coding change: c.2209A>T on transcript NM_002103.5 (MANE Select); coding-DNA position 2209, A replaced by T.
Protein change: p.Asn737Tyr; replaces asparagine 737 with tyrosine.
Molecular consequence: missense variant. On other transcripts: non-coding transcript variant (1).
Genome position (GRCh38, 1-based): chr19:48,969,293, T>A on the plus strand (A>T on the coding strand, the complement: GYS1 is on the minus strand). VCF-style: chr19-48969293-T-A. GRCh37 (hg19) VCF-style: chr19-49472550-T-A.
Other names: c.2017A>T, p.Asn673Tyr (NM_001161587.2); c.2209A>T (NM_002103.4); short protein forms N673Y, N737Y.
Identifiers: ClinVar variation 1418175 (VCV001418175.9), dbSNP rs1042146137, ClinGen allele CA309381746.

ClinVar aggregate classification (germline): Uncertain significance. Review status: criteria provided, multiple submitters, no conflicts (2 of 4 stars). 2 submissions from 2 submitters: Uncertain significance (2). Last evaluated 2022-08-26.

Conditions:
Inborn genetic diseases. Identifiers: MedGen C0950123, MeSH D030342.
Glycogen storage disease due to muscle and heart glycogen synthase deficiency. Also called: MUSCLE GLYCOGEN SYNTHASE DEFICIENCY; GSD 0b. Identifiers: Orphanet 137625, MedGen C1969054, MONDO:0012693, OMIM 611556.

Allele frequency attached by ClinVar (database versions not stated): gnomAD 0.00001; TOPMed 0.00001; gnomAD exomes 0.00002.

Submissions (2):

Ambry Genetics
Classification: Uncertain significance for Inborn genetic diseases. Last evaluated: 2022-08-26. Review status: criteria provided, single submitter. Criteria: Ambry Variant Classification Scheme 2023. Collection method: clinical testing. Allele origin: germline.

Labcorp Genetics (formerly Invitae), Labcorp
Classification: Uncertain significance for Glycogen storage disease due to muscle and heart glycogen synthase deficiency. Last evaluated: 2021-02-09. Review status: criteria provided, single submitter. Criteria: Invitae Variant Classification Sherloc (09022015). Collection method: clinical testing. Allele origin: germline.
Comment: This sequence change replaces asparagine with tyrosine at codon 737 of the GYS1 protein (p.Asn737Tyr). The asparagine residue is moderately conserved and there is a large physicochemical difference between asparagine and tyrosine. The frequency data for this variant in the population databases is considered unreliable, as metrics indicate insufficient coverage at this position in the ExAC database. This variant has not been reported in the literature in individuals with GYS1-related conditions. Algorithms developed to predict the effect of missense changes on protein structure and function are either unavailable or do not agree on the potential impact of this missense change (SIFT: "Deleterious"; PolyPhen-2: "Not Available"; Align-GVGD: "Class C0"). In summary, the available evidence is currently insufficient to determine the role of this variant in disease. Therefore, it has been classified as a Variant of Uncertain Significance.